The following is an entry in ClinVar:

ClinVar aggregate classification (germline): Uncertain significance. Review status: criteria provided, multiple submitters, no conflicts (2 of 4 stars). 2 submissions from 2 submitters: Uncertain significance (2). Last evaluated 2023-12-01.

Conditions:
Hereditary cancer-predisposing syndrome. Also called: Neoplastic Syndromes, Hereditary; Hereditary Cancer Syndrome; Tumor predisposition; Hereditary neoplastic syndrome. Identifiers: Orphanet 140162, MedGen C0027672, MeSH D009386, MONDO:0015356.
Fanconi anemia complementation group J. Also called: BRIP1-Related Fanconi Anemia. Identifiers: Orphanet 84, MedGen C1836860, MONDO:0012187, OMIM 609054.

Allele frequency attached by ClinVar (database versions not stated): gnomAD exomes below 0.00001.
gnomAD v4.1: 1 of 1,612,790 alleles (0.000062%); highest among the groups gnomAD compares: South Asian, 0.0011%; no homozygotes.

Submissions (2):

Revvity Omics, Revvity
Classification: Uncertain significance for Fanconi anemia complementation group J. Last evaluated: 2023-12-01. Review status: criteria provided, single submitter. Criteria: ACMG Guidelines, 2015. Collection method: clinical testing. Allele origin: germline.

Ambry Genetics
Classification: Uncertain significance for Hereditary cancer-predisposing syndrome. Last evaluated: 2023-04-19. Review status: criteria provided, single submitter. Criteria: Ambry Variant Classification Scheme 2023. Collection method: clinical testing. Allele origin: germline.
Comment: The p.P23S variant (also known as c.67C>T), located in coding exon 1 of the BRIP1 gene, results from a C to T substitution at nucleotide position 67. The proline at codon 23 is replaced by serine, an amino acid with similar properties. This amino acid position is highly conserved in available vertebrate species. In addition, the in silico prediction for this alteration is inconclusive. Since supporting evidence is limited at this time, the clinical significance of this alteration remains unclear.

NM_032043.3(BRIP1):c.67C>T (p.Pro23Ser)

Gene: BRIP1 (BRCA1 interacting DNA helicase 1; minus strand). Cytogenetic location: 17q23.2.
Variant type: single nucleotide variant.
Coding change: c.67C>T on transcript NM_032043.3 (MANE Select); coding-DNA position 67, C replaced by T.
Protein change: p.Pro23Ser; replaces proline 23 with serine.
Molecular consequence: missense variant.
Genome position (GRCh38, 1-based): chr17:61,861,473, G>A on the plus strand (C>T on the coding strand, the complement: BRIP1 is on the minus strand). VCF-style: chr17-61861473-G-A. GRCh37 (hg19) VCF-style: chr17-59938834-G-A.
Other names: short protein forms P23S.
Identifiers: ClinVar variation 2564582 (VCV002564582.3), dbSNP rs1603368425, ClinGen allele CA400485954.